The following is an entry in ClinVar:

NM_201253.3(CRB1):c.986del (p.Pro329fs)

Gene: CRB1 (crumbs cell polarity complex component 1; plus strand). Cytogenetic location: 1q31.3.
Variant type: Deletion.
Coding change: c.986del on transcript NM_201253.3 (MANE Select); coding-DNA position 986, one base deleted (C; older notation c.986delC).
Protein change: p.Pro329fs; shifts the reading frame from proline 329.
Molecular consequence: frameshift variant. On other transcripts: non-coding transcript variant (2), intron variant (1).
Genome position (GRCh38, 1-based): chr1:197,347,477, C deleted; the last of 2 consecutive C bases (chr1:197,347,476-197,347,477); deleting either gives the same sequence. VCF-style (leftmost placement, unchanged base first): chr1-197347475-GC-G. GRCh37 (hg19) VCF-style: chr1-197316605-GC-G.
Other names: c.779del, p.Pro260fs (NM_001257965.2); c.986del, p.Pro329fs (NM_001257966.2); c.653-9354del (NM_001193640.2); short protein forms P260fs, P329fs.
Identifiers: ClinVar variation 2034662 (VCV002034662.4), dbSNP rs2527647307, ClinGen allele CA2580061817.
Genomic context (GRCh38, chr1:197,347,475, plus strand): 5'-ACCTTGTCACAATAATGCTACATGTGAGGACAGTGTTGACAATTACACTTGTCACTGCTG[GC>G]CTGGTGAGTGACAAAATACCTTCCACCAATTATTTTTCATTTGTTTAGAATACACATATC-3'

ClinVar aggregate classification (germline): Pathogenic (1 of 4 stars; one submission).

Conditions:
Leber congenital amaurosis 8 (LCA8). Identifiers: Orphanet 65, MedGen C3151202, MONDO:0013453, OMIM 613835.
Retinitis pigmentosa 12 (RP12). Also called: RP WITH OR WITHOUT PRESERVED PARAARTERIOLE RETINAL PIGMENT EPITHELIUM; RETINITIS PIGMENTOSA WITH OR WITHOUT PARAARTERIOLAR PRESERVATION OF RETINAL PIGMENT EPITHELIUM; RP WITH OR WITHOUT PPRPE. Identifiers: Orphanet 791, MedGen C1838647, MONDO:0010818, OMIM 600105.

Submission:

Labcorp Genetics (formerly Invitae), Labcorp
Classification: Pathogenic for Leber congenital amaurosis 8; Retinitis pigmentosa 12. Last evaluated: 2022-10-08. Review status: criteria provided, single submitter. Criteria: Invitae Variant Classification Sherloc (09022015). Collection method: clinical testing. Allele origin: germline.
Comment: For these reasons, this variant has been classified as Pathogenic. This variant has not been reported in the literature in individuals affected with CRB1-related conditions. This variant is not present in population databases (gnomAD no frequency). This sequence change creates a premature translational stop signal (p.Pro329Leufs*123) in the CRB1 gene. It is expected to result in an absent or disrupted protein product. Loss-of-function variants in CRB1 are known to be pathogenic (PMID: 10508521, 22065545, 23379534, 25412400, 26957898, 28041643, 29391521).

Literature cited by the submitters: PubMed 10508521; PubMed 22065545; PubMed 23379534; PubMed 25412400; PubMed 26957898; PubMed 28041643; PubMed 29391521.